The following is an entry in ClinVar:

NM_001370466.1(NOD2):c.2693A>G (p.Asp898Gly)

Gene: NOD2 (nucleotide binding oligomerization domain containing 2; plus strand). Cytogenetic location: 16q12.1.
Variant type: single nucleotide variant.
Coding change: c.2693A>G on transcript NM_001370466.1 (MANE Select); coding-DNA position 2693, A replaced by G.
Protein change: p.Asp898Gly; replaces aspartic acid 898 with glycine.
Molecular consequence: missense variant. On other transcripts: non-coding transcript variant (1).
Genome position (GRCh38, 1-based): chr16:50,722,681, A>G. VCF-style: chr16-50722681-A-G. GRCh37 (hg19) VCF-style: chr16-50756592-A-G.
Other names: c.2774A>G (NM_022162.1); c.2693A>G, p.Asp898Gly (NM_001293557.2); c.2774A>G, p.Asp925Gly (NM_022162.3); short protein forms D925G, D898G.
Identifiers: ClinVar variation 581298 (VCV000581298.15), dbSNP rs545734771, ClinGen allele CA8051963.

ClinVar aggregate classification (germline): Uncertain significance. Review status: criteria provided, multiple submitters, no conflicts (2 of 4 stars). 5 submissions from 5 submitters: Uncertain significance (4). 1 of the submissions does not count toward it. Last evaluated 2025-12-05.

Conditions:
Inborn genetic diseases. Identifiers: MedGen C0950123, MeSH D030342.
Blau syndrome (BLAUS). Also called: ARTHROCUTANEOUVEAL GRANULOMATOSIS; GRANULOMATOSIS, FAMILIAL JUVENILE SYSTEMIC; GRANULOMATOSIS, FAMILIAL, BLAU TYPE; GRANULOMATOUS INFLAMMATORY ARTHRITIS, DERMATITIS, AND UVEITIS, FAMILIAL; JABS SYNDROME. Identifiers: Orphanet 90340, MedGen C5201146, MONDO:0008523, OMIM 186580.
Regional enteritis. Also called: Enteritis, Granulomatous. Identifiers: MedGen C0678202, MeSH D003424.
NOD2-related disorder. Also called: NOD2-related condition.

Allele frequency attached by ClinVar (database versions not stated): TOPMed 0.00003; ExAC 0.00006; gnomAD 0.00006 and 0.00007; 1000 Genomes Project 30x 0.00016; 1000 Genomes Project 0.00020.
gnomAD v4.1: 38 of 1,614,226 alleles (0.0024%); highest among the groups gnomAD compares: Admixed American, 0.035%; no homozygotes.

Submissions (5):

Labcorp Genetics (formerly Invitae), Labcorp
Classification: Uncertain significance for Regional enteritis; Blau syndrome. Last evaluated: 2025-12-05. Review status: criteria provided, single submitter. Criteria: Invitae Variant Classification Sherloc (09022015). Collection method: clinical testing. Allele origin: germline.
Comment: This sequence change replaces aspartic acid, which is acidic and polar, with glycine, which is neutral and non-polar, at codon 925 of the NOD2 protein (p.Asp925Gly). This variant is present in population databases (rs545734771, gnomAD 0.01%). This variant has not been reported in the literature in individuals affected with NOD2-related conditions. ClinVar contains an entry for this variant (Variation ID: 581298). Invitae Evidence Modeling of protein sequence and biophysical properties (such as structural, functional, and spatial information, amino acid conservation, physicochemical variation, residue mobility, and thermodynamic stability) indicates that this missense variant is not expected to disrupt NOD2 protein function with a negative predictive value of 95%. In summary, the available evidence is currently insufficient to determine the role of this variant in disease. Therefore, it has been classified as a Variant of Uncertain Significance.

Women's Health and Genetics/Laboratory Corporation of America, LabCorp
Classification: Uncertain significance. Last evaluated: 2024-07-22. Review status: criteria provided, single submitter. Criteria: LabCorp Variant Classification Summary - May 2015. Collection method: clinical testing. Allele origin: germline.
Comment: Variant summary: NOD2 c.2774A>G (p.Asp925Gly) results in a non-conservative amino acid change in the encoded protein sequence. Four of five in-silico tools predict a benign effect of the variant on protein function. The variant allele was found at a frequency of 4.4e-05 in 251474 control chromosomes. This frequency is not significantly higher than estimated for a pathogenic variant in NOD2 causing NOD2-Related Disorders, allowing no conclusion about variant significance. c.2774A>G has been reported in the literature in at least one individual affected with a NOD2-Related Disorder without evidence for causality (e.g. Yao_2022). This report does not provide unequivocal conclusions about association of the variant with NOD2-Related Disorders. To our knowledge, no experimental evidence demonstrating an impact on protein function has been reported. The following publication has been ascertained in the context of this evaluation (PMID: 33394828). ClinVar contains an entry for this variant (Variation ID: 581298). Based on the evidence outlined above, the variant was classified as uncertain significance.

Ambry Genetics
Classification: Uncertain significance for Inborn genetic diseases. Last evaluated: 2021-09-01. Review status: criteria provided, single submitter. Criteria: Ambry Variant Classification Scheme 2023. Collection method: clinical testing. Allele origin: germline.

Blueprint Genetics
Classification: Uncertain significance. Last evaluated: 2020-09-02. Review status: criteria provided, single submitter. Criteria: ACMG Guidelines, 2015. Collection method: clinical testing. Allele origin: germline.

PreventionGenetics, part of Exact Sciences
Classification: Uncertain significance for NOD2-related condition. Last evaluated: 2024-02-01. Review status: no assertion criteria provided. Collection method: clinical testing. Allele origin: germline. Not counted in ClinVar's aggregate classification.
Comment: The NOD2 c.2774A>G variant is predicted to result in the amino acid substitution p.Asp925Gly. To our knowledge, this variant has not been reported in the literature. This variant is reported in 0.011% of alleles in individuals of Latino descent in gnomAD. At this time, the clinical significance of this variant is uncertain due to the absence of conclusive functional and genetic evidence.

Literature cited by the submitters: PubMed 33394828 (cited by Women's Health and Genetics/Laboratory Corporation of America, LabCorp).